The following is an entry in ClinVar:

NM_024537.4(CARS2):c.628G>A (p.Val210Met)

Gene: CARS2 (cysteinyl-tRNA synthetase 2, mitochondrial; minus strand). Cytogenetic location: 13q34.
Variant type: single nucleotide variant.
Coding change: c.628G>A on transcript NM_024537.4 (MANE Select); coding-DNA position 628, G replaced by A.
Protein change: p.Val210Met; replaces valine 210 with methionine.
Molecular consequence: missense variant. On other transcripts: 5 prime UTR variant (1), non-coding transcript variant (2).
Genome position (GRCh38, 1-based): chr13:110,683,078, C>T on the plus strand (G>A on the coding strand, the complement: CARS2 is on the minus strand). VCF-style: chr13-110683078-C-T. GRCh37 (hg19) VCF-style: chr13-111335425-C-T.
Other names: c.-159G>A (NM_001352252.2); c.628G>A, p.Val210Met (NM_001352253.3); short protein forms V210M.
Identifiers: ClinVar variation 542309 (VCV000542309.8), dbSNP rs142962763, ClinGen allele CA7052148.

ClinVar aggregate classification (germline): Uncertain significance. Review status: criteria provided, multiple submitters, no conflicts (2 of 4 stars). 2 submissions from 2 submitters: Uncertain significance (2). Last evaluated 2026-01-18.

Conditions:
Combined oxidative phosphorylation defect type 27. Also called: Combined oxidative phosphorylation deficiency 27. Identifiers: Orphanet 477774, MedGen C5567608, MONDO:0014728, OMIM 616672.

Allele frequency attached by ClinVar (database versions not stated): gnomAD 0.00013 and 0.00019; gnomAD exomes 0.00013 and 0.00027; ESP Exome Variant Server 0.00015; TOPMed 0.00015; ExAC 0.00029; 1000 Genomes Project 30x 0.00109; 1000 Genomes Project 0.00120.
gnomAD v4.1: 233 of 1,602,450 alleles (0.015%); highest among the groups gnomAD compares: South Asian, 0.18%; 2 homozygotes.

Submissions (2):

Labcorp Genetics (formerly Invitae), Labcorp
Classification: Uncertain significance for Combined oxidative phosphorylation defect type 27. Last evaluated: 2026-01-18. Review status: criteria provided, single submitter. Criteria: Invitae Variant Classification Sherloc (09022015). Collection method: clinical testing. Allele origin: germline.
Comment: This sequence change replaces valine, which is neutral and non-polar, with methionine, which is neutral and non-polar, at codon 210 of the CARS2 protein (p.Val210Met). This variant is present in population databases (rs142962763, gnomAD 0.2%). This variant has not been reported in the literature in individuals affected with CARS2-related conditions. ClinVar contains an entry for this variant (Variation ID: 542309). Invitae Evidence Modeling of protein sequence and biophysical properties (such as structural, functional, and spatial information, amino acid conservation, physicochemical variation, residue mobility, and thermodynamic stability) indicates that this missense variant is not expected to disrupt CARS2 protein function with a negative predictive value of 80%. In summary, the available evidence is currently insufficient to determine the role of this variant in disease. Therefore, it has been classified as a Variant of Uncertain Significance.

Center for Genomics, Ann and Robert H. Lurie Children's Hospital of Chicago
Classification: Uncertain significance for Combined oxidative phosphorylation defect type 27. Last evaluated: 2022-03-30. Review status: criteria provided, single submitter. Criteria: ACMG Guidelines, 2015. Collection method: clinical testing. Allele origin: germline.
Comment: This variant has not been reported in the literature but is present in 0.04% (17/41460) of African alleles in the Genome Aggregation Database. This variant is present in ClinVar (Variation ID:542309). This variant amino acid Methionine (Met) is present in several species including multiple mammals and is not well conserved among evolutionarily distant species; this suggests that this variant may not impact the protein. Additional computational prediction tools do not suggest an impact. In summary, data on this variant is insufficient for disease classification. Therefore, the clinical significance of this variant is uncertain.